The following is an entry in ClinVar:

NM_001371928.1(AHDC1):c.673C>G (p.Leu225Val)

Gene: AHDC1 (AT-hook DNA binding motif containing 1; minus strand). Cytogenetic location: 1p36.11.
Variant type: single nucleotide variant.
Coding change: c.673C>G on transcript NM_001371928.1 (MANE Select); coding-DNA position 673, C replaced by G.
Protein change: p.Leu225Val; replaces leucine 225 with valine.
Molecular consequence: missense variant.
Genome position (GRCh38, 1-based): chr1:27,551,443, G>C on the plus strand (C>G on the coding strand, the complement: AHDC1 is on the minus strand). VCF-style: chr1-27551443-G-C. GRCh37 (hg19) VCF-style: chr1-27877954-G-C.
Other names: c.673C>G, p.Leu225Val (NM_001029882.3); short protein forms L225V.
Identifiers: ClinVar variation 4881740 (VCV004881740.2).
Genomic context (GRCh38, chr1:27,551,443, plus strand): 5'-GGATGTCGGCGTCAGCAAGTTCTGAGTAATCAGTGCTGTCTGGCTCAGGCTCTGGGGGCA[G>C]ACCCGTGGCCGCAGCCGTGGCTCCGGGACTATGGCCTTGGCCAGGCTGGGGACTGTCCCT-3'
Protein context (NP_001358857.1, residues 215-235): SPGATAAATG[Leu225Val]PPEPEPDSTD

ClinVar aggregate classification (germline): Uncertain significance (1 of 4 stars; one submission).

Submission:

Dasa
Classification: Uncertain significance. Last evaluated: 2024-11-14. Review status: criteria provided, single submitter. Criteria: DASA Assertion Criteria. Collection method: clinical testing. Allele origin: germline.
Comment: NM_001371928.1(AHDC1):c.673C>G (p.Leu225Val) is a missense variant that results in the substitution of leucine with valine. This variant is absent from population databases. Computational prediction algorithms are consistent with a benign effect. The currently available literature and clinical evidence are not sufficient to establish a definitive association between this variant and the reported condition. Therefore, this variant is classified as a variant of uncertain significance.